The following is an entry in ClinVar:

NM_000901.5(NR3C2):c.1713T>C (p.Ser571=)

Gene: NR3C2 (nuclear receptor subfamily 3 group C member 2; minus strand). Cytogenetic location: 4q31.23.
Variant type: single nucleotide variant.
Coding change: c.1713T>C on transcript NM_000901.5 (MANE Select); coding-DNA position 1713, T replaced by C.
Protein change: p.Ser571=; no amino-acid change (serine 571 retained).
Molecular consequence: synonymous variant. On other transcripts: non-coding transcript variant (1).
Genome position (GRCh38, 1-based): chr4:148,435,148, A>G on the plus strand (T>C on the coding strand, the complement: NR3C2 is on the minus strand). VCF-style: chr4-148435148-A-G. GRCh37 (hg19) VCF-style: chr4-149356300-A-G.
Other names: p.Ser571=; c.1713T>C, p.Ser571= (NM_001166104.2, NM_001354819.1).
Identifiers: ClinVar variation 347727 (VCV000347727.18), dbSNP rs5529, ClinGen allele CA3100253.

ClinVar aggregate classification (germline): Benign/Likely benign. Review status: criteria provided, multiple submitters, no conflicts (2 of 4 stars). 6 submissions from 6 submitters: Benign (5); Likely benign (1). Last evaluated 2026-01-26.

Conditions:
Autosomal dominant pseudohypoaldosteronism type 1. Also called: PHA I, AUTOSOMAL DOMINANT; Pseudohypoaldosteronism, Type I, Dominant; Pseudohypoaldosteronism, Type I, Autosomal Dominant. Identifiers: Orphanet 171871, Orphanet 756, MedGen C1449842, MONDO:0008329, OMIM 177735.

Allele frequency attached by ClinVar (database versions not stated): gnomAD 0.07546 and 0.08104; ESP Exome Variant Server 0.08535; TOPMed 0.08720; 1000 Genomes Project 0.09026; gnomAD exomes 0.00845 and 0.02074; ExAC 0.02496.
gnomAD v4.1: 24,536 of 1,614,098 alleles (1.5%); highest among the groups gnomAD compares: African/African-American, 26%; 2,677 homozygotes.

Submissions (6):

Labcorp Genetics (formerly Invitae), Labcorp
Classification: Benign. Last evaluated: 2026-01-26. Review status: criteria provided, single submitter. Criteria: Invitae Variant Classification Sherloc (09022015). Collection method: clinical testing. Allele origin: germline.

Blueprint Genetics
Classification: Likely benign. Last evaluated: 2024-11-26. Review status: criteria provided, single submitter. Criteria: ACMG Guidelines, 2015. Collection method: clinical testing. Allele origin: germline.

Mayo Clinic Laboratories, Mayo Clinic
Classification: Benign. Last evaluated: 2022-10-30. Review status: criteria provided, single submitter. Criteria: ACMG Guidelines, 2015. Collection method: clinical testing. Allele origin: germline. Observed: 10 variant alleles.

GeneDx
Classification: Benign. Last evaluated: 2021-05-04. Review status: criteria provided, single submitter. Criteria: GeneDx Variant Classification Process June 2021. Collection method: clinical testing. Allele origin: germline. Affected: yes.

Illumina Laboratory Services, Illumina
Classification: Benign for Autosomal dominant pseudohypoaldosteronism type 1. Last evaluated: 2018-01-13. Review status: criteria provided, single submitter. Criteria: ICSL Variant Classification Criteria 13 December 2019. Collection method: clinical testing. Allele origin: germline.
Comment: This variant was observed in the ICSL laboratory as part of a predisposition screen in an ostensibly healthy population. It had not been previously curated by ICSL or reported in the Human Gene Mutation Database (HGMD: prior to June 1st, 2018), and was therefore a candidate for classification through an automated scoring system. Utilizing variant allele frequency, disease prevalence and penetrance estimates, and inheritance mode, an automated score was calculated to assess if this variant is too frequent to cause the disease. Based on the score and internal cut-off values, a variant classified as benign is not then subjected to further curation. The score for this variant resulted in a classification of benign for this disease.

Breakthrough Genomics
Classification: Benign. Review status: criteria provided, single submitter. Criteria: ACMG Guidelines, 2015. Collection method: not provided. Allele origin: germline. Inheritance: Autosomal dominant inheritance. Affected: yes.